The following is an entry in ClinVar:

NM_002397.5(MEF2C):c.908dup (p.Leu303fs)

Gene: MEF2C (myocyte enhancer factor 2C; minus strand). Cytogenetic location: 5q14.3.
Variant type: Duplication.
Coding change: c.908dup on transcript NM_002397.5 (MANE Select); coding-DNA position 908, one base duplicated (T; older notation c.908dupT).
Protein change: p.Leu303fs; shifts the reading frame from leucine 303.
Molecular consequence: frameshift variant.
Genome position (GRCh38, 1-based): chr5:88,729,274, A duplicated on the plus strand (T on the coding strand, the reverse complement: MEF2C is on the minus strand); the first of 3 consecutive A bases (chr5:88,729,274-88,729,276); duplicating any one gives the same sequence. VCF-style (leftmost placement, unchanged base first): chr5-88729273-T-TA. GRCh37 (hg19) VCF-style: chr5-88025090-T-TA.
Other names: c.878dup, p.Leu293fs (NM_001131005.2, NM_001364343.2, NM_001364352.2); c.938dup, p.Leu313fs (NM_001193347.1, NM_001364338.2); c.740dup, p.Leu247fs (NM_001193348.1); c.764dup, p.Leu255fs (NM_001193349.3, NM_001364332.2, NM_001364344.2 and 2 more transcripts); c.908dup, p.Leu303fs (NM_001193350.2, NM_001363581.2, NM_001364329.2 and 9 more transcripts); c.884dup, p.Leu295fs (NM_001308002.3, NM_001364333.2, NM_001364339.2 and 6 more transcripts); c.530dup, p.Leu177fs (NM_001364353.2, NM_001364356.2); c.458dup, p.Leu153fs (NM_001364357.2); short protein forms L177fs, L255fs, L303fs, L293fs, L295fs, L153fs, L313fs, L247fs.
Identifiers: ClinVar variation 662628 (VCV000662628.9), dbSNP rs1581338441, ClinGen allele CA915943447.

ClinVar aggregate classification (germline): Pathogenic (1 of 4 stars; one submission).

Conditions:
Neurodevelopmental disorder with hypotonia, stereotypic hand movements, and impaired language. Also called: Intellectual disability, autosomal dominant 20. Identifiers: Orphanet 228384, Orphanet 664410, MedGen C3150700, MONDO:0013266, OMIM 613443.

Submission:

Labcorp Genetics (formerly Invitae), Labcorp
Classification: Pathogenic for Neurodevelopmental disorder with hypotonia, stereotypic hand movements, and impaired language. Last evaluated: 2019-03-12. Review status: criteria provided, single submitter. Criteria: Invitae Variant Classification Sherloc (09022015). Collection method: clinical testing. Allele origin: germline.
Comment: For these reasons, this variant has been classified as Pathogenic. Loss-of-function variants in MEF2C are known to be pathogenic (PMID: 20513142). This variant has not been reported in the literature in individuals with MEF2C-related disease. This variant is not present in population databases (ExAC no frequency). This sequence change creates a premature translational stop signal (p.Leu303Phefs*25) in the MEF2C gene. It is expected to result in an absent or disrupted protein product.

Literature cited by the submitters: PubMed 20513142.